The following is an entry in ClinVar:

NM_000268.4(NF2):c.490G>A (p.Ala164Thr)

Gene: NF2 (NF2, moesin-ezrin-radixin like (MERLIN) tumor suppressor; plus strand). Cytogenetic location: 22q12.2.
Variant type: single nucleotide variant.
Coding change: c.490G>A on transcript NM_000268.4 (MANE Select); coding-DNA position 490, G replaced by A.
Protein change: p.Ala164Thr; replaces alanine 164 with threonine.
Molecular consequence: missense variant. On other transcripts: 5 prime UTR variant (1), intron variant (1).
Genome position (GRCh38, 1-based): chr22:29,654,699, G>A. VCF-style: chr22-29654699-G-A. GRCh37 (hg19) VCF-style: chr22-30050688-G-A.
Other names: c.376G>A, p.Ala126Thr (NM_001407053.1, NM_001407056.1); c.367G>A, p.Ala123Thr (NM_001407054.1, NM_001407058.1, NM_001407062.1 and 1 more transcripts); c.364G>A, p.Ala122Thr (NM_001407055.1, NM_181828.3); c.490G>A, p.Ala164Thr (NM_001407057.1, NM_001407059.1, NM_001407060.1 and 4 more transcripts); c.241G>A, p.Ala81Thr (NM_001407063.1, NM_001407064.1, NM_181830.3 and 1 more transcripts); c.-151G>A (NM_001407065.1); c.259G>A, p.Ala87Thr (NM_001407067.1); c.447+12414G>A (NM_181833.3); short protein forms A122T, A123T, A126T, A164T, A81T, A87T.
Identifiers: ClinVar variation 3231100 (VCV003231100.1), dbSNP rs2518545992, ClinGen allele CA411142200.

ClinVar aggregate classification (germline): Uncertain significance (1 of 4 stars; one submission).

Conditions:
Hereditary cancer-predisposing syndrome. Also called: Neoplastic Syndromes, Hereditary; Tumor predisposition; Hereditary neoplastic syndrome; Hereditary Cancer Syndrome. Identifiers: Orphanet 140162, MedGen C0027672, MeSH D009386, MONDO:0015356.

Allele frequency attached by ClinVar (database versions not stated): gnomAD exomes below 0.00001.
gnomAD v4.1: 3 of 1,613,942 alleles (0.00019%); highest among the groups gnomAD compares: East Asian, 0.0022%; no homozygotes.

Submission:

Ambry Genetics
Classification: Uncertain significance for Hereditary cancer-predisposing syndrome. Last evaluated: 2024-03-14. Review status: criteria provided, single submitter. Criteria: Ambry Variant Classification Scheme 2023. Collection method: clinical testing. Allele origin: germline.
Comment: The p.A164T variant (also known as c.490G>A), located in coding exon 5 of the NF2 gene, results from a G to A substitution at nucleotide position 490. The alanine at codon 164 is replaced by threonine, an amino acid with similar properties. This amino acid position is well conserved in available vertebrate species. In addition, the in silico prediction for this alteration is inconclusive. Based on the available evidence, the clinical significance of this alteration remains unclear.